The following is an entry in ClinVar:

ClinVar aggregate classification (germline): Uncertain significance (1 of 4 stars; one submission).

Submission:

Labcorp Genetics (formerly Invitae), Labcorp
Classification: Uncertain significance. Last evaluated: 2025-11-30. Review status: criteria provided, single submitter. Criteria: Invitae Variant Classification Sherloc (09022015). Collection method: clinical testing. Allele origin: germline.
Comment: This sequence change replaces aspartic acid, which is acidic and polar, with glutamic acid, which is acidic and polar, at codon 77 of the CTR9 protein (p.Asp77Glu). This variant is not present in population databases (gnomAD no frequency). This variant has not been reported in the literature in individuals affected with CTR9-related conditions. An algorithm developed to predict the effect of missense changes on protein structure and function (PolyPhen-2) suggests that this variant is likely to be tolerated. In summary, the available evidence is currently insufficient to determine the role of this variant in disease. Therefore, it has been classified as a Variant of Uncertain Significance.

NM_014633.5(CTR9):c.231C>A (p.Asp77Glu)

Gene: CTR9 (CTR9 component of Paf1/RNA polymerase II complex; plus strand). Cytogenetic location: 11p15.4.
Variant type: single nucleotide variant.
Coding change: c.231C>A on transcript NM_014633.5 (MANE Select); coding-DNA position 231, C replaced by A.
Protein change: p.Asp77Glu; replaces aspartic acid 77 with glutamic acid.
Molecular consequence: missense variant.
Genome position (GRCh38, 1-based): chr11:10,755,044, C>A. VCF-style: chr11-10755044-C-A. GRCh37 (hg19) VCF-style: chr11-10776591-C-A.
Other names: c.231C>A, p.Asp77Glu (NM_001346279.2); short protein forms D77E.
Identifiers: ClinVar variation 4726923 (VCV004726923.1).